The following is an entry in ClinVar:

NM_000264.5(PTCH1):c.2560+7C>T

Genes: PTCH1 (patched 1; minus strand), LOC100507346 (uncharacterized LOC100507346; plus strand). Cytogenetic location: 9q22.32.
Variant type: single nucleotide variant.
Coding change: c.2560+7C>T on transcript NM_000264.5 (MANE Select); 7 bases into the intron after coding-DNA position 2560, C replaced by T.
Molecular consequence: intron variant. On other transcripts: non-coding transcript variant (1).
Genome position (GRCh38, 1-based): chr9:95,467,109, G>A on the plus strand (C>T on the coding strand, the complement: PTCH1 is on the minus strand). VCF-style: chr9-95467109-G-A. GRCh37 (hg19) VCF-style: chr9-98229391-G-A.
Other names: c.2557+7C>T (NM_001083603.3); c.2362+7C>T (NM_001083602.3); c.2404+7C>T (NM_001354918.2); c.2107+7C>T (NM_001083605.3, NM_001083604.3, NM_001083606.3 and 1 more transcripts).
Identifiers: ClinVar variation 135881 (VCV000135881.18), dbSNP rs75576651, ClinGen allele CA332503.

ClinVar aggregate classification (germline): Benign/Likely benign. Review status: criteria provided, multiple submitters, no conflicts (2 of 4 stars). 6 submissions from 6 submitters: Benign (1); Likely benign (4). 1 of the submissions does not count toward it. Last evaluated 2026-07-01.

Conditions:
Hereditary cancer-predisposing syndrome. Also called: Neoplastic Syndromes, Hereditary; Tumor predisposition; Hereditary neoplastic syndrome; Hereditary Cancer Syndrome. Identifiers: Orphanet 140162, MedGen C0027672, MeSH D009386, MONDO:0015356.
Gorlin syndrome. Also called: Nevoid Basal Cell Carcinoma Syndrome; Basal cell nevus syndrome. Identifiers: Orphanet 377, MedGen C0004779, MONDO:0007187.
PTCH1-related disorder. Also called: PTCH1-related disorders; PTCH1-related condition.

Allele frequency attached by ClinVar (database versions not stated): gnomAD 0.00016 and 0.00021; TOPMed 0.00032; ExAC 0.00053; gnomAD exomes 0.00054; 1000 Genomes Project 30x 0.00125; 1000 Genomes Project 0.00160.
gnomAD v4.1: 306 of 1,614,070 alleles (0.019%); highest among the groups gnomAD compares: East Asian, 0.54%; 2 homozygotes.

Submissions (6):

CeGaT Center for Human Genetics Tuebingen
Classification: Likely benign. Last evaluated: 2026-07-01. Review status: criteria provided, single submitter. Criteria: CeGaT Center For Human Genetics Tuebingen Variant Classification Criteria Version 2. Collection method: clinical testing. Allele origin: germline. Affected: yes. Observed: 2 variant alleles.
Comment: PTCH1: BP4, BS1

Labcorp Genetics (formerly Invitae), Labcorp
Classification: Benign for Gorlin syndrome. Last evaluated: 2026-02-03. Review status: criteria provided, single submitter. Criteria: Invitae Variant Classification Sherloc (09022015). Collection method: clinical testing. Allele origin: germline.

Center for Genomic Medicine, Rigshospitalet, Copenhagen University Hospital
Classification: Likely benign. Last evaluated: 2025-12-29. Review status: criteria provided, single submitter. Criteria: ACMG Guidelines, 2015. Collection method: clinical testing. Allele origin: germline.

Sema4
Classification: Likely benign for Hereditary cancer-predisposing syndrome. Last evaluated: 2021-07-08. Review status: criteria provided, single submitter. Criteria: Sema4 Curation Guidelines. Collection method: curation. Allele origin: germline.

GeneDx
Classification: Likely benign. Last evaluated: 2017-12-20. Review status: criteria provided, single submitter. Criteria: GeneDx Variant Classification (06012015). Collection method: clinical testing. Allele origin: germline. Affected: yes.
Comment: This variant is considered likely benign or benign based on one or more of the following criteria: it is a conservative change, it occurs at a poorly conserved position in the protein, it is predicted to be benign by multiple in silico algorithms, and/or has population frequency not consistent with disease.

PreventionGenetics, part of Exact Sciences
Classification: Benign for PTCH1-related condition. Last evaluated: 2019-09-10. Review status: no assertion criteria provided. Collection method: clinical testing. Allele origin: germline. Not counted in ClinVar's aggregate classification.
Comment: This variant is classified as benign based on ACMG/AMP sequence variant interpretation guidelines (Richards et al. 2015 PMID: 25741868, with internal and published modifications).